The following is an entry in ClinVar:

NM_000444.6(PHEX):c.1849T>C (p.Cys617Arg)

Genes: PHEX (phosphate regulating endopeptidase X-linked; plus strand), PTCHD1-AS (PTCHD1 and PHEX antisense RNA; minus strand). Cytogenetic location: Xp22.11.
Variant type: single nucleotide variant.
Coding change: c.1849T>C on transcript NM_000444.6 (MANE Select); coding-DNA position 1849, T replaced by C.
Protein change: p.Cys617Arg; replaces cysteine 617 with arginine.
Molecular consequence: missense variant.
Genome position (GRCh38, 1-based): chrX:22,221,693, T>C. VCF-style: chrX-22221693-T-C. GRCh37 (hg19) VCF-style: chrX-22239810-T-C.
Other names: c.1849T>C, p.Cys617Arg (NM_001282754.2); short protein forms C617R.
Identifiers: ClinVar variation 4771935 (VCV004771935.1).

ClinVar aggregate classification (germline): Uncertain significance (1 of 4 stars; one submission).

Submission:

Labcorp Genetics (formerly Invitae), Labcorp
Classification: Uncertain significance. Last evaluated: 2025-04-01. Review status: criteria provided, single submitter. Criteria: Invitae Variant Classification Sherloc (09022015). Collection method: clinical testing. Allele origin: germline.
Comment: This sequence change replaces cysteine, which is neutral and slightly polar, with arginine, which is basic and polar, at codon 617 of the PHEX protein (p.Cys617Arg). This variant is not present in population databases (gnomAD no frequency). This variant has not been reported in the literature in individuals affected with PHEX-related conditions. Invitae Evidence Modeling of protein sequence and biophysical properties (such as structural, functional, and spatial information, amino acid conservation, physicochemical variation, residue mobility, and thermodynamic stability) indicates that this missense variant is expected to disrupt PHEX protein function with a positive predictive value of 80%. This variant disrupts the p.Cys617 amino acid residue in PHEX. Other variant(s) that disrupt this residue have been determined to be pathogenic (internal data). This suggests that this residue is clinically significant, and that variants that disrupt this residue are likely to be disease-causing. In summary, the available evidence is currently insufficient to determine the role of this variant in disease. Therefore, it has been classified as a Variant of Uncertain Significance.